The following is an entry in ClinVar:

ClinVar aggregate classification (germline): Likely benign. Review status: criteria provided, multiple submitters, no conflicts (2 of 4 stars). 4 submissions from 4 submitters: Likely benign (3). 1 of the submissions does not count toward it. Last evaluated 2026-04-01.

Conditions:
MEGF8-related disorder. Also called: MEGF8-related condition.
MEGF8-related Carpenter syndrome. Also called: Carpenter syndrome 2. Identifiers: Orphanet 65759, MedGen C3554247, MONDO:0013998, OMIM 614976.

Allele frequency attached by ClinVar (database versions not stated): ExAC 0.00012; gnomAD exomes 0.00016; gnomAD 0.00017; TOPMed 0.00035.
gnomAD v4.1: 238 of 1,613,970 alleles (0.015%); highest among the groups gnomAD compares: Middle Eastern, 0.23%; no homozygotes.

Submissions (4):

CeGaT Center for Human Genetics Tuebingen
Classification: Likely benign. Last evaluated: 2026-04-01. Review status: criteria provided, single submitter. Criteria: CeGaT Center For Human Genetics Tuebingen Variant Classification Criteria Version 2. Collection method: clinical testing. Allele origin: germline. Affected: yes. Observed: 1 variant allele.
Comment: MEGF8: BP4, BP7

Labcorp Genetics (formerly Invitae), Labcorp
Classification: Likely benign for MEGF8-related Carpenter syndrome. Last evaluated: 2025-10-17. Review status: criteria provided, single submitter. Criteria: Invitae Variant Classification Sherloc (09022015). Collection method: clinical testing. Allele origin: germline.

Blueprint Genetics
Classification: Likely benign. Last evaluated: 2024-11-11. Review status: criteria provided, single submitter. Criteria: ACMG Guidelines, 2015. Collection method: clinical testing. Allele origin: germline.

PreventionGenetics, part of Exact Sciences
Classification: Likely benign for MEGF8-related condition. Last evaluated: 2019-06-10. Review status: no assertion criteria provided. Collection method: clinical testing. Allele origin: germline. Not counted in ClinVar's aggregate classification.
Comment: This variant is classified as likely benign based on ACMG/AMP sequence variant interpretation guidelines (Richards et al. 2015 PMID: 25741868, with internal and published modifications).

NM_001271938.2(MEGF8):c.5937G>A (p.Arg1979=)

Gene: MEGF8 (multiple EGF like domains 8; plus strand). Cytogenetic location: 19q13.2.
Variant type: single nucleotide variant.
Coding change: c.5937G>A on transcript NM_001271938.2 (MANE Select); coding-DNA position 5937, G replaced by A.
Protein change: p.Arg1979=; no amino-acid change (arginine 1979 retained).
Molecular consequence: synonymous variant.
Genome position (GRCh38, 1-based): chr19:42,362,476, G>A. VCF-style: chr19-42362476-G-A. GRCh37 (hg19) VCF-style: chr19-42866628-G-A.
Other names: c.5736G>A, p.Arg1912= (NM_001410.3).
Identifiers: ClinVar variation 702851 (VCV000702851.13), dbSNP rs200310970, ClinGen allele CA9475735.